The following is an entry in ClinVar:

ClinVar aggregate classification (germline): Uncertain significance (1 of 4 stars; one submission).

Allele frequency attached by ClinVar (database versions not stated): gnomAD 0.00003; TOPMed 0.00003.

Submission:

Labcorp Genetics (formerly Invitae), Labcorp
Classification: Uncertain significance. Last evaluated: 2022-10-25. Review status: criteria provided, single submitter. Criteria: Invitae Variant Classification Sherloc (09022015). Collection method: clinical testing. Allele origin: germline.
Comment: This sequence change replaces glutamic acid, which is acidic and polar, with glutamine, which is neutral and polar, at codon 174 of the ARMC9 protein (p.Glu174Gln). This variant is present in population databases (no rsID available, gnomAD 0.02%). This variant has not been reported in the literature in individuals affected with ARMC9-related conditions. Experimental studies and prediction algorithms are not available or were not evaluated, and the functional significance of this variant is currently unknown. In summary, the available evidence is currently insufficient to determine the role of this variant in disease. Therefore, it has been classified as a Variant of Uncertain Significance.

NM_001352754.2(ARMC9):c.520G>C (p.Glu174Gln)

Gene: ARMC9 (armadillo repeat containing 9; plus strand). Cytogenetic location: 2q37.1.
Variant type: single nucleotide variant.
Coding change: c.520G>C on transcript NM_001352754.2 (MANE Select); coding-DNA position 520, G replaced by C.
Protein change: p.Glu174Gln; replaces glutamic acid 174 with glutamine.
Molecular consequence: missense variant. On other transcripts: non-coding transcript variant (1).
Genome position (GRCh38, 1-based): chr2:231,222,743, G>C. VCF-style: chr2-231222743-G-C. GRCh37 (hg19) VCF-style: chr2-232087456-G-C.
Other names: c.520G>C, p.Glu174Gln (NM_001271466.4, NM_001291656.2, NM_001352755.2 and 5 more transcripts); short protein forms E174Q.
Identifiers: ClinVar variation 1923355 (VCV001923355.2), dbSNP rs1468038129, ClinGen allele CA350947498.